The following is an entry in ClinVar:

NM_002471.4(MYH6):c.2213T>C (p.Ile738Thr)

Gene: MYH6 (myosin heavy chain 6; minus strand). Cytogenetic location: 14q11.2.
Variant type: single nucleotide variant.
Coding change: c.2213T>C on transcript NM_002471.4 (MANE Select); coding-DNA position 2213, T replaced by C.
Protein change: p.Ile738Thr; replaces isoleucine 738 with threonine.
Molecular consequence: missense variant.
Genome position (GRCh38, 1-based): chr14:23,396,773, A>G on the plus strand (T>C on the coding strand, the complement: MYH6 is on the minus strand). VCF-style: chr14-23396773-A-G. GRCh37 (hg19) VCF-style: chr14-23865982-A-G.
Other names: short protein forms I738T.
Identifiers: ClinVar variation 4800664 (VCV004800664.1).

ClinVar aggregate classification (germline): Uncertain significance (1 of 4 stars; one submission).

Conditions:
Hypertrophic cardiomyopathy 14. Identifiers: MedGen C2750467, MONDO:0013197, OMIM 613251.

gnomAD v4.1: 6 of 1,613,948 alleles (0.00037%); highest among the groups gnomAD compares: East Asian, 0.0089%; no homozygotes.

Submission:

Labcorp Genetics (formerly Invitae), Labcorp
Classification: Uncertain significance for Hypertrophic cardiomyopathy 14. Last evaluated: 2025-07-23. Review status: criteria provided, single submitter. Criteria: Invitae Variant Classification Sherloc (09022015). Collection method: clinical testing. Allele origin: germline.
Comment: This sequence change replaces isoleucine, which is neutral and non-polar, with threonine, which is neutral and polar, at codon 738 of the MYH6 protein (p.Ile738Thr). This variant is not present in population databases (gnomAD no frequency). This variant has not been reported in the literature in individuals affected with MYH6-related conditions. Invitae Evidence Modeling of protein sequence and biophysical properties (such as structural, functional, and spatial information, amino acid conservation, physicochemical variation, residue mobility, and thermodynamic stability) indicates that this missense variant is not expected to disrupt MYH6 protein function with a negative predictive value of 80%. In summary, the available evidence is currently insufficient to determine the role of this variant in disease. Therefore, it has been classified as a Variant of Uncertain Significance.